The following is an entry in ClinVar:

ClinVar aggregate classification (germline): Uncertain significance (1 of 4 stars; one submission).

Conditions:
Long QT syndrome (LQTS). Identifiers: MedGen C0023976, MeSH D008133, MONDO:0002442. Disease mechanism: loss of function. Inheritance: Various modes of inheritance.

Submission:

Labcorp Genetics (formerly Invitae), Labcorp
Classification: Uncertain significance for Long QT syndrome. Last evaluated: 2022-06-03. Review status: criteria provided, single submitter. Criteria: Invitae Variant Classification Sherloc (09022015). Collection method: clinical testing. Allele origin: germline.
Comment: In summary, the available evidence is currently insufficient to determine the role of this variant in disease. Therefore, it has been classified as a Variant of Uncertain Significance. Algorithms developed to predict the effect of missense changes on protein structure and function are either unavailable or do not agree on the potential impact of this missense change (SIFT: "Deleterious"; PolyPhen-2: "Probably Damaging"; Align-GVGD: "Class C0"). ClinVar contains an entry for this variant (Variation ID: 1381014). This variant has not been reported in the literature in individuals affected with KCNQ1-related conditions. This variant is not present in population databases (gnomAD no frequency). This sequence change replaces aspartic acid, which is acidic and polar, with histidine, which is basic and polar, at codon 488 of the KCNQ1 protein (p.Asp488His).

NM_000218.3(KCNQ1):c.1462G>C (p.Asp488His)

Genes: KCNQ1 (potassium voltage-gated channel subfamily Q member 1; plus strand), KCNQ1OT1 (KCNQ1 opposite strand/antisense transcript 1; minus strand). Cytogenetic location: 11p15.5.
Variant type: single nucleotide variant.
Coding change: c.1462G>C on transcript NM_000218.3 (MANE Select); coding-DNA position 1462, G replaced by C.
Protein change: p.Asp488His; replaces aspartic acid 488 with histidine.
Molecular consequence: missense variant.
Genome position (GRCh38, 1-based): chr11:2,662,029, G>C. VCF-style: chr11-2662029-G-C. GRCh37 (hg19) VCF-style: chr11-2683259-G-C.
Other names: c.1192G>C, p.Asp398His (NM_001406837.1); c.922G>C, p.Asp308His (NM_001406838.1); c.1081G>C, p.Asp361His (NM_181798.2); c.1366G>C, p.Asp456His (NM_001406836.1); short protein forms D361H, D488H, D456H, D308H, D398H.
Identifiers: ClinVar variation 1381014 (VCV001381014.9), dbSNP rs2133856134, ClinGen allele CA379479632.